The following is an entry in ClinVar:

NM_001367823.1(ARHGEF18):c.2047C>T (p.Arg683Trp)

Gene: ARHGEF18 (Rho/Rac guanine nucleotide exchange factor 18; plus strand). Cytogenetic location: 19p13.2.
Variant type: single nucleotide variant.
Coding change: c.2047C>T on transcript NM_001367823.1 (MANE Select); coding-DNA position 2047, C replaced by T.
Protein change: p.Arg683Trp; replaces arginine 683 with tryptophan.
Molecular consequence: missense variant.
Genome position (GRCh38, 1-based): chr19:7,453,658, C>T. VCF-style: chr19-7453658-C-T. GRCh37 (hg19) VCF-style: chr19-7518544-C-T.
Other names: c.1321C>T, p.Arg441Trp (NM_001130955.2); c.1009C>T, p.Arg337Trp (NM_001367824.1, NM_015318.4); short protein forms R337W, R441W, R683W.
Identifiers: ClinVar variation 971062 (VCV000971062.7), dbSNP rs367800762, ClinGen allele CA9136699.

ClinVar aggregate classification (germline): Uncertain significance (1 of 4 stars; one submission).

Allele frequency attached by ClinVar (database versions not stated): ExAC 0.00001; gnomAD 0.00001; gnomAD exomes 0.00001; TOPMed 0.00001; ESP Exome Variant Server 0.00008.

Submission:

Labcorp Genetics (formerly Invitae), Labcorp
Classification: Uncertain significance. Last evaluated: 2022-07-26. Review status: criteria provided, single submitter. Criteria: Invitae Variant Classification Sherloc (09022015). Collection method: clinical testing. Allele origin: germline.
Comment: This sequence change replaces arginine, which is basic and polar, with tryptophan, which is neutral and slightly polar, at codon 495 of the ARHGEF18 protein (p.Arg495Trp). This variant is present in population databases (rs367800762, gnomAD 0.0009%). This variant has not been reported in the literature in individuals affected with ARHGEF18-related conditions. ClinVar contains an entry for this variant (Variation ID: 971062). Algorithms developed to predict the effect of missense changes on protein structure and function (SIFT, PolyPhen-2, Align-GVGD) all suggest that this variant is likely to be disruptive. In summary, the available evidence is currently insufficient to determine the role of this variant in disease. Therefore, it has been classified as a Variant of Uncertain Significance.